The following is an entry in ClinVar:

ClinVar aggregate classification (germline): Pathogenic. Review status: reviewed by expert panel (3 of 4 stars). 7 submissions from 7 submitters: Pathogenic (1). 6 of the submissions do not count toward it. Last evaluated 2024-02-09.

Conditions:
Hereditary factor IX deficiency disease (HEMB). Also called: Christmas Disease; PLASMA THROMBOPLASTIN COMPONENT DEFICIENCY; F9 DEFICIENCY; FACTOR IX DEFICIENCY; Hemophilia B. Identifiers: Orphanet 98879, MedGen C0008533, MeSH D002836, MONDO:0010604, OMIM 306900.
Thrombophilia, X-linked, due to factor 9 defect. Identifiers: MedGen C2749016, MONDO:0010432, OMIM 300807.

Submissions (7):

ClinGen Coagulation Factor Deficiency Variant Curation Expert Panel, Clingen
Classification: Pathogenic for Hereditary factor IX deficiency disease. Last evaluated: 2024-02-09. Review status: reviewed by expert panel. Criteria: ClinGen CoagFactor ACMG Specifications F9 V1.0.0. Collection method: curation. Allele origin: germline. Inheritance: X-linked inheritance.
Comment: The F9 c.223C>T; p.Arg75Ter causes a protein truncation that is expected to undergo NMD, meeting PVS1. The variant is completely absent from gnomAD v2.1.1 and v3.1.1, meeting PM2_Supporting. Over 75 patients are reported in the literature with moderate-severe hemophilia B, some with a history of inhibitors to factor replacement products, meeting F9 phenotype criteria for PS4_Very strong and PP4_Moderate (EAHAD database; PMID: 29296726). In summary, this variant meets criteria to be classified as pathogenic. ACMG/AMP criteria applied, as specified by the Coagulation Factor Deficiency Variant Curation Expert Panel for F9: PVS1, PS4_Very strong, PP4_Moderate, PM2_Supporting.

Labcorp Genetics (formerly Invitae), Labcorp
Classification: Pathogenic for Thrombophilia, X-linked, due to factor 9 defect; Hereditary factor IX deficiency disease. Last evaluated: 2024-08-10. Review status: criteria provided, single submitter. Criteria: Invitae Variant Classification Sherloc (09022015). Collection method: clinical testing. Allele origin: germline. Not counted in ClinVar's aggregate classification.
Comment: This sequence change creates a premature translational stop signal (p.Arg75*) in the F9 gene. It is expected to result in an absent or disrupted protein product. Loss-of-function variants in F9 are known to be pathogenic (PMID: 20301668). This variant is not present in population databases (gnomAD no frequency). This premature translational stop signal has been observed in individuals with hemophilia B (PMID: 1969838, 2198809, 18624698, 23093250, 25470321, 27824213). This variant is also known as 6460 C>T, Arg29-Stop, R248>TGA, and p.Arg29X. ClinVar contains an entry for this variant (Variation ID: 10572). For these reasons, this variant has been classified as Pathogenic.

Women's Health and Genetics/Laboratory Corporation of America, LabCorp
Classification: Pathogenic for Hereditary factor IX deficiency disease. Last evaluated: 2023-06-09. Review status: criteria provided, single submitter. Criteria: LabCorp Variant Classification Summary - May 2015. Collection method: clinical testing. Allele origin: germline. Not counted in ClinVar's aggregate classification.
Comment: Variant summary: F9 c.223C>T (p.Arg75X) results in a premature termination codon and is predicted to cause absence of the protein due to nonsense mediated decay, which is a commonly known mechanism for disease. The variant was absent in 182973 control chromosomes (gnomAD). c.223C>T has been reported in the literature in multiple individuals affected with Factor IX Deficiency (Hemophilia B) (e.g. Li_2014). These data indicate that the variant is very likely to be associated with disease. The following publication has been ascertained in the context of this evaluation (PMID: 24375831). Three clinical diagnostic laboratories have submitted clinical-significance assessments for this variant to ClinVar after 2014 and all classified the variant as pathogenic. Based on the evidence outlined above, the variant was classified as pathogenic.

GeneDx
Classification: Pathogenic. Last evaluated: 2022-07-08. Review status: criteria provided, single submitter. Criteria: GeneDx Variant Classification Process June 2021. Collection method: clinical testing. Allele origin: germline. Affected: yes. Not counted in ClinVar's aggregate classification.
Comment: Nonsense variant predicted to result in protein truncation or nonsense mediated decay in a gene for which loss-of-function is a known mechanism of disease; Not observed at significant frequency in large population cohorts (gnomAD); This variant is associated with the following publications: (PMID: 25525159, 25929987, 18624698, 1969838, 25470321, 30648777, 32224444, 32155688, 23093250, 28193338, 24375831, 27824213, 32875744)

ARUP Laboratories, Molecular Genetics and Genomics, ARUP Laboratories
Classification: Pathogenic. Last evaluated: 2020-02-18. Review status: criteria provided, single submitter. Criteria: ARUP Molecular Germline Variant Investigation Process. Collection method: clinical testing. Allele origin: germline. Not counted in ClinVar's aggregate classification.
Comment: The F9 c.223C>T; p.Arg75Ter variant (rs137852227), also known as 6460G>A or Arg29Stop, is reported in the literature in individuals and families with hemophilia B, most often in cases of severe disease (Bottema 1993, Green 1989, Koeberl 1990, Factor IX database and references therein). Clotting assays of patient samples with this variant typically exhibit activity less than 1% of wildtype (Green 1989, Factor IX database). This variant is reported in ClinVar (Variation ID: 10572) and is absent from general population databases (Exome Variant Server, Genome Aggregation Database), indicating it is not a common polymorphism. This variant induces an early termination codon and is predicted to result in a truncated protein or mRNA subject to nonsense-mediated decay. Based on available information, the p.Arg75Ter variant is considered to be pathogenic. References: Factor IX database: Bottema CD et al. The pattern of spontaneous germ-line mutation: relative rates of mutation at or near CpG dinucleotides in the factor IX gene. Hum Genet. 1993 Jun;91(5):496-503. Green PM et al. Molecular pathology of haemophilia B. EMBO J. 1989 Apr;8(4):1067-72. Koeberl DD et al. Recurrent nonsense mutations at arginine residues cause severe hemophilia B in unrelated hemophiliacs. Hum Genet. 1990 Apr;84(5):387-90.

OMIM
Classification: Pathogenic for HEMOPHILIA B. Last evaluated: 1990-08-01. Review status: no assertion criteria provided. Collection method: literature only. Allele origin: germline. Not counted in ClinVar's aggregate classification.

GeneReviews
No classification provided. Condition: Hereditary factor IX deficiency disease. Review status: no classification provided. Collection method: literature only. Allele origin: germline. Affected: yes. Not counted in ClinVar's aggregate classification.

Literature cited by the submitters: PubMed 20301668 (cited by Labcorp Genetics (formerly Invitae), Labcorp); PubMed 1969838 (cited by Labcorp Genetics (formerly Invitae), Labcorp); PubMed 2198809 (cited by Labcorp Genetics (formerly Invitae), Labcorp and OMIM); PubMed 18624698 (cited by Labcorp Genetics (formerly Invitae), Labcorp); PubMed 23093250 (cited by Labcorp Genetics (formerly Invitae), Labcorp); PubMed 25470321 (cited by Labcorp Genetics (formerly Invitae), Labcorp); PubMed 27824213 (cited by Labcorp Genetics (formerly Invitae), Labcorp); PubMed 24375831 (cited by Women's Health and Genetics/Laboratory Corporation of America, LabCorp); PubMed 2743975 (cited by OMIM); NCBI Bookshelf NBK1495 (cited by GeneReviews).

NM_000133.4(F9):c.223C>T (p.Arg75Ter)

Gene: F9 (coagulation factor IX; plus strand). Cytogenetic location: Xq27.1.
Variant type: single nucleotide variant.
Coding change: c.223C>T on transcript NM_000133.4 (MANE Select); coding-DNA position 223, C replaced by T.
Protein change: p.Arg75Ter; replaces arginine 75 with a stop codon.
Molecular consequence: nonsense.
Genome position (GRCh38, 1-based): chrX:139,537,144, C>T. VCF-style: chrX-139537144-C-T. GRCh37 (hg19) VCF-style: chrX-138619303-C-T.
Other names: F9, ARG29TER; R29*; NM_000133.4(F9):c.223C>T; c.223C>T, p.Arg75Ter (NM_001313913.2); short protein forms R75*.
Identifiers: ClinVar variation 10572 (VCV000010572.24), dbSNP rs137852227, ClinGen allele CA340993.
Genomic context (GRCh38, chrX:139,537,144, plus strand): 5'-TTTGTTCAAGGGAACCTTGAGAGAGAATGTATGGAAGAAAAGTGTAGTTTTGAAGAAGCA[C>T]GAGAAGTTTTTGAAAACACTGAAAGAACAGTGAGTATTTCCACATAATACCCTTCAGATG-3'